The following is an entry in ClinVar:

ClinVar aggregate classification (germline): Uncertain significance. Review status: criteria provided, multiple submitters, no conflicts (2 of 4 stars). 2 submissions from 2 submitters: Uncertain significance (2). Last evaluated 2026-04-17.

Conditions:
PKD1-related disorder. Also called: PKD1-related condition.

gnomAD v4.1: 99 of 1,609,908 alleles (0.0061%); highest among the groups gnomAD compares: Middle Eastern, 0.023%; no homozygotes.

Submissions (2):

PreventionGenetics, part of Exact Sciences
Classification: Uncertain significance for PKD1-related condition. Last evaluated: 2026-04-17. Review status: criteria provided, single submitter. Criteria: ACMG Guidelines, 2015. Collection method: clinical testing. Allele origin: germline.
Comment: The PKD1 c.8360G>A variant is predicted to result in the amino acid substitution p.Arg2787His. This variant was reported in trans with a causative PKD1 variant in an adult patient with autosomal dominant polycystic kidney disease (ADPKD) (Supplemental Table 1, Xu et al. 2024. PubMed ID: 38527221). This variant is reported in 0.036% of alleles in individuals of East Asian descent in gnomAD. Although we suspect that this variant may be benign, at this time, the clinical significance of this variant is uncertain due to the absence of conclusive functional and genetic evidence.

Athena Diagnostics
Classification: Uncertain significance. Last evaluated: 2024-07-18. Review status: criteria provided, single submitter. Criteria: Athena Diagnostics Criteria. Collection method: clinical testing. Allele origin: unknown.
Comment: Available data are insufficient to determine the clinical significance of the variant at this time. The frequency of this variant in the general population is uninformative in assessment of its pathogenicity. Polyphen and MutationTaster predict this amino acid change may be damaging to the protein. The variant is located in a region that is considered important for protein function and/or structure. At least one other missense variant at this codon is considered to be pathogenic or likely pathogenic, suggesting this variant may also cause disease.

Literature cited by the submitters: PubMed 30369598 (cited by Athena Diagnostics).

NM_001009944.3(PKD1):c.8360G>A (p.Arg2787His)

Gene: PKD1 (polycystin 1, transient receptor potential channel interacting; minus strand). Cytogenetic location: 16p13.3.
Variant type: single nucleotide variant.
Coding change: c.8360G>A on transcript NM_001009944.3 (MANE Select); coding-DNA position 8360, G replaced by A.
Protein change: p.Arg2787His; replaces arginine 2787 with histidine.
Molecular consequence: missense variant.
Genome position (GRCh38, 1-based): chr16:2,103,697, C>T on the plus strand (G>A on the coding strand, the complement: PKD1 is on the minus strand). VCF-style: chr16-2103697-C-T. GRCh37 (hg19) VCF-style: chr16-2153698-C-T.
Other names: c.8360G>A, p.Arg2787His (NM_000296.4); short protein forms R2787H.
Identifiers: ClinVar variation 3571816 (VCV003571816.2).